The following is an entry in ClinVar:

NM_000064.4(C3):c.1105C>A (p.Pro369Thr)

Gene: C3 (complement C3; minus strand). Cytogenetic location: 19p13.3.
Variant type: single nucleotide variant.
Coding change: c.1105C>A on transcript NM_000064.4 (MANE Select); coding-DNA position 1105, C replaced by A.
Protein change: p.Pro369Thr; replaces proline 369 with threonine.
Molecular consequence: missense variant.
Genome position (GRCh38, 1-based): chr19:6,712,522, G>T on the plus strand (C>A on the coding strand, the complement: C3 is on the minus strand). VCF-style: chr19-6712522-G-T. GRCh37 (hg19) VCF-style: chr19-6712533-G-T.
Other names: short protein forms P369T.
Identifiers: ClinVar variation 4744314 (VCV004744314.1).

ClinVar aggregate classification (germline): Uncertain significance (1 of 4 stars; one submission).

gnomAD v4.1: 1 of 1,614,174 alleles (0.000062%); no homozygotes.

Submission:

Labcorp Genetics (formerly Invitae), Labcorp
Classification: Uncertain significance. Last evaluated: 2025-12-20. Review status: criteria provided, single submitter. Criteria: Invitae Variant Classification Sherloc (09022015). Collection method: clinical testing. Allele origin: germline.
Comment: This sequence change replaces proline, which is neutral and non-polar, with threonine, which is neutral and polar, at codon 369 of the C3 protein (p.Pro369Thr). This variant is not present in population databases (gnomAD no frequency). This variant has not been reported in the literature in individuals affected with C3-related conditions. Invitae Evidence Modeling of protein sequence and biophysical properties (such as structural, functional, and spatial information, amino acid conservation, physicochemical variation, residue mobility, and thermodynamic stability) indicates that this missense variant is not expected to disrupt C3 protein function with a negative predictive value of 80%. In summary, the available evidence is currently insufficient to determine the role of this variant in disease. Therefore, it has been classified as a Variant of Uncertain Significance.